The following is an entry in ClinVar:

ClinVar aggregate classification (germline): Pathogenic (1 of 4 stars; one submission).

Conditions:
Neurofibromatosis, type 1 (NF1). Also called: NEUROFIBROMATOSIS, TYPE I, SOMATIC; Peripheral type neurofibromatosis; Neurofibromatosis, type I; VON RECKLINGHAUSEN DISEASE. Identifiers: Orphanet 636, MedGen C0027831, MONDO:0018975, OMIM 162200. Disease mechanism: loss of function.

Submission:

Labcorp Genetics (formerly Invitae), Labcorp
Classification: Pathogenic for Neurofibromatosis, type 1. Last evaluated: 2024-11-30. Review status: criteria provided, single submitter. Criteria: Invitae Variant Classification Sherloc (09022015). Collection method: clinical testing. Allele origin: germline.
Comment: This variant, c.2070_2099del, results in the deletion of 10 amino acid(s) of the NF1 protein (p.Leu691_Thr700del), but otherwise preserves the integrity of the reading frame. This variant is not present in population databases (gnomAD no frequency). This variant has not been reported in the literature in individuals affected with NF1-related conditions. This variant disrupts a region of the NF1 protein in which other variant(s) (p.Leu691Arg) have been determined to be pathogenic (PMID: 23913538, 24676943; internal data). This suggests that this is a clinically significant region of the protein, and that variants that disrupt it are likely to be disease-causing. For these reasons, this variant has been classified as Pathogenic.

Literature cited by the submitters: PubMed 23913538; PubMed 24676943.

NM_001042492.3(NF1):c.2070_2099del (p.Leu691_Thr700del)

Gene: NF1 (neurofibromin 1; plus strand). Cytogenetic location: 17q11.2.
Variant type: Deletion.
Coding change: c.2070_2099del on transcript NM_001042492.3 (MANE Select); coding-DNA positions 2070 to 2099, 30 bases deleted (CCTGTACATGTTTCTGTGGAACCCTGACAC).
Protein change: p.Leu691_Thr700del.
Molecular consequence: inframe deletion. On other transcripts: inframe indel (1).
Genome position (GRCh38, 1-based): chr17:31,226,503-31,226,532, CCTGTACATGTTTCTGTGGAACCCTGACAC deleted; deleting any 30 consecutive bases within chr17:31,226,502-31,226,532 gives the same sequence; the c. name uses the placement nearest the transcript's 3' end. VCF-style (leftmost placement, unchanged base first): chr17-31226501-GCCCTGTACATGTTTCTGTGGAACCCTGACA-G. GRCh37 (hg19) VCF-style: chr17-29553519-GCCCTGTACATGTTTCTGTGGAACCCTGACA-G.
Other names: c.2070_2099del30, p.Leu691_Thr700del (NM_000267.4).
Identifiers: ClinVar variation 3725977 (VCV003725977.2).